The following is an entry in ClinVar:

NM_000489.6(ATRX):c.2730G>C (p.Lys910Asn)

Gene: ATRX (ATRX chromatin remodeler; minus strand). Cytogenetic location: Xq21.1.
Variant type: single nucleotide variant.
Coding change: c.2730G>C on transcript NM_000489.6 (MANE Select); coding-DNA position 2730, G replaced by C.
Protein change: p.Lys910Asn; replaces lysine 910 with asparagine.
Molecular consequence: missense variant.
Genome position (GRCh38, 1-based): chrX:77,682,526, C>G on the plus strand (G>C on the coding strand, the complement: ATRX is on the minus strand). VCF-style: chrX-77682526-C-G. GRCh37 (hg19) VCF-style: chrX-76938018-C-G.
Other names: c.2616G>C, p.Lys872Asn (NM_138270.5); short protein forms K910N, K872N.
Identifiers: ClinVar variation 579268 (VCV000579268.3), dbSNP rs1206627354, ClinGen allele CA413710802.

ClinVar aggregate classification (germline): Uncertain significance (1 of 4 stars; one submission).

Conditions:
Alpha thalassemia-X-linked intellectual disability syndrome (ATRX). Also called: ALPHA-THALASSEMIA/MENTAL RETARDATION SYNDROME, X-LINKED; ATR, NONDELETION TYPE; ALPHA-THALASSEMIA/IMPAIRED INTELLECTUAL DEVELOPMENT SYNDROME, X-LINKED; X-linked alpha-thalassemia-mental retardation syndrome; ATR-X syndrome; Alpha thalassemia mental retardation syndrome, nondeletion type, X-linked. Identifiers: Orphanet 847, MedGen C1845055, MONDO:0010519, OMIM 301040.

Allele frequency attached by ClinVar (database versions not stated): gnomAD 0.00003; gnomAD exomes below 0.00001; TOPMed below 0.00001.
gnomAD v4.1: 4 of 1,209,786 alleles (0.00033%); highest among the groups gnomAD compares: African/African-American, 0.0052%; no homozygotes.

Submission:

Labcorp Genetics (formerly Invitae), Labcorp
Classification: Uncertain significance for Alpha thalassemia-X-linked intellectual disability syndrome. Last evaluated: 2022-09-05. Review status: criteria provided, single submitter. Criteria: Invitae Variant Classification Sherloc (09022015). Collection method: clinical testing. Allele origin: germline.
Comment: This sequence change replaces lysine, which is basic and polar, with asparagine, which is neutral and polar, at codon 910 of the ATRX protein (p.Lys910Asn). This variant is not present in population databases (gnomAD no frequency). This variant has not been reported in the literature in individuals affected with ATRX-related conditions. ClinVar contains an entry for this variant (Variation ID: 579268). Advanced modeling of protein sequence and biophysical properties (such as structural, functional, and spatial information, amino acid conservation, physicochemical variation, residue mobility, and thermodynamic stability) performed at Invitae indicates that this missense variant is not expected to disrupt ATRX protein function. In summary, the available evidence is currently insufficient to determine the role of this variant in disease. Therefore, it has been classified as a Variant of Uncertain Significance.